The following is an entry in ClinVar:

ClinVar aggregate classification (germline): Uncertain significance (1 of 4 stars; one submission).

Submission:

Ambry Genetics
Classification: Uncertain significance. Last evaluated: 2021-10-31. Review status: criteria provided, single submitter. Criteria: Ambry Variant Classification Scheme 2023. Collection method: clinical testing. Allele origin: germline.
Comment: The p.R409T variant (also known as c.1226G>C), located in coding exon 13 of the NPAT gene, results from a G to C substitution at nucleotide position 1226. The arginine at codon 409 is replaced by threonine, an amino acid with similar properties. This amino acid position is conserved. In addition, this alteration is predicted to be tolerated by in silico analysis. Since supporting evidence is limited at this time, the clinical significance of this alteration remains unclear.

NM_002519.3(NPAT):c.1226G>C (p.Arg409Thr)

Gene: NPAT (nuclear protein, coactivator of histone transcription; minus strand). Cytogenetic location: 11q22.3.
Variant type: single nucleotide variant.
Coding change: c.1226G>C on transcript NM_002519.3 (MANE Select); coding-DNA position 1226, G replaced by C.
Protein change: p.Arg409Thr; replaces arginine 409 with threonine.
Molecular consequence: missense variant.
Genome position (GRCh38, 1-based): chr11:108,173,758, C>G on the plus strand (G>C on the coding strand, the complement: NPAT is on the minus strand). VCF-style: chr11-108173758-C-G. GRCh37 (hg19) VCF-style: chr11-108044485-C-G.
Other names: c.1226G>C, p.Arg409Thr (NM_001321307.1); short protein forms R409T.
Identifiers: ClinVar variation 1754347 (VCV001754347.2), dbSNP rs2496722105, ClinGen allele CA382515955.
Genomic context (GRCh38, chr11:108,173,758, plus strand): 5'-TTAAAGGCCTTTTTCTGTATGCTGGTACTTATTTGGGAAAAATTTTCCTGGTCTTCTTGT[C>G]TAAGCACATCATGGTTGTTGCTATTCTTCAAAGCATTTAATGGGTCATCATTCTGATAGG-3'
Protein context (NP_002510.2, residues 399-419): LKNSNNHDVL[Arg409Thr]QEDQENFSQI